The following is an entry in ClinVar:

NM_006946.4(SPTBN2):c.5698C>T (p.Arg1900Trp)

Gene: SPTBN2 (spectrin beta, non-erythrocytic 2; minus strand). Cytogenetic location: 11q13.2.
Variant type: single nucleotide variant.
Coding change: c.5698C>T on transcript NM_006946.4 (MANE Select); coding-DNA position 5698, C replaced by T.
Protein change: p.Arg1900Trp; replaces arginine 1900 with tryptophan.
Molecular consequence: missense variant.
Genome position (GRCh38, 1-based): chr11:66,690,151, G>A on the plus strand (C>T on the coding strand, the complement: SPTBN2 is on the minus strand). VCF-style: chr11-66690151-G-A. GRCh37 (hg19) VCF-style: chr11-66457622-G-A.
Other names: c.5719C>T, p.Arg1907Trp (NM_001411025.1); short protein forms R1907W, R1900W.
Identifiers: ClinVar variation 2890046 (VCV002890046.3), dbSNP rs762007511, ClinGen allele CA6128178.
Genomic context (GRCh38, chr11:66,690,151, plus strand): 5'-TCAGTTCCCGGACAGCCTTGAAGAAGCGGAACTTGTCTGTGGTGTCCAGCAGCAGCTGCC[G>A]GCGGGCGGCAGAGCTTCCCTGAAGCTGGGCCCAGGCCTCGGCCACGGCCTGCATGTGGCG-3'
Protein context (NP_008877.2, residues 1890-1910): AQLQGSSAAR[Arg1900Trp]QLLLDTTDKF

ClinVar aggregate classification (germline): Uncertain significance (1 of 4 stars; one submission).

Allele frequency attached by ClinVar (database versions not stated): gnomAD 0.00001; gnomAD exomes 0.00001; TOPMed 0.00002; ExAC 0.00004.
gnomAD v4.1: 20 of 1,614,058 alleles (0.0012%); highest among the groups gnomAD compares: East Asian, 0.0089%; no homozygotes.

Submission:

Labcorp Genetics (formerly Invitae), Labcorp
Classification: Uncertain significance. Last evaluated: 2022-11-23. Review status: criteria provided, single submitter. Criteria: Invitae Variant Classification Sherloc (09022015). Collection method: clinical testing. Allele origin: germline.
Comment: This sequence change replaces arginine, which is basic and polar, with tryptophan, which is neutral and slightly polar, at codon 1900 of the SPTBN2 protein (p.Arg1900Trp). The frequency data for this variant in the population databases is considered unreliable, as metrics indicate poor data quality at this position in the gnomAD database. In summary, the available evidence is currently insufficient to determine the role of this variant in disease. Therefore, it has been classified as a Variant of Uncertain Significance. Advanced modeling of protein sequence and biophysical properties (such as structural, functional, and spatial information, amino acid conservation, physicochemical variation, residue mobility, and thermodynamic stability) performed at Invitae indicates that this missense variant is expected to disrupt SPTBN2 protein function. This variant has not been reported in the literature in individuals affected with SPTBN2-related conditions.